The following is an entry in ClinVar:

NM_004525.3(LRP2):c.5845G>A (p.Asp1949Asn)

Gene: LRP2 (LDL receptor related protein 2; minus strand). Cytogenetic location: 2q31.1.
Variant type: single nucleotide variant.
Coding change: c.5845G>A on transcript NM_004525.3 (MANE Select); coding-DNA position 5845, G replaced by A.
Protein change: p.Asp1949Asn; replaces aspartic acid 1949 with asparagine.
Molecular consequence: missense variant.
Genome position (GRCh38, 1-based): chr2:169,213,852, C>T on the plus strand (G>A on the coding strand, the complement: LRP2 is on the minus strand). VCF-style: chr2-169213852-C-T. GRCh37 (hg19) VCF-style: chr2-170070362-C-T.
Other names: short protein forms D1949N.
Identifiers: ClinVar variation 2068629 (VCV002068629.2), dbSNP rs199849839, ClinGen allele CA59901153.

ClinVar aggregate classification (germline): Uncertain significance. Review status: criteria provided, multiple submitters, no conflicts (2 of 4 stars). 2 submissions from 2 submitters: Uncertain significance (2). Last evaluated 2024-04-19.

Allele frequency attached by ClinVar (database versions not stated): TOPMed below 0.00001; gnomAD 0.00001; gnomAD exomes 0.00001.
gnomAD v4.1: 15 of 1,613,064 alleles (0.00093%); highest among the groups gnomAD compares: South Asian, 0.0011%; no homozygotes.

Submissions (2):

Blueprint Genetics
Classification: Uncertain significance. Last evaluated: 2024-04-19. Review status: criteria provided, single submitter. Criteria: ACMG Guidelines, 2015. Collection method: clinical testing. Allele origin: germline.

Labcorp Genetics (formerly Invitae), Labcorp
Classification: Uncertain significance. Last evaluated: 2021-12-24. Review status: criteria provided, single submitter. Criteria: Invitae Variant Classification Sherloc (09022015). Collection method: clinical testing. Allele origin: germline.
Comment: This sequence change replaces aspartic acid, which is acidic and polar, with asparagine, which is neutral and polar, at codon 1949 of the LRP2 protein (p.Asp1949Asn). This variant is present in population databases (rs199849839, gnomAD 0.04%). This variant has not been reported in the literature in individuals affected with LRP2-related conditions. Algorithms developed to predict the effect of missense changes on protein structure and function are either unavailable or do not agree on the potential impact of this missense change (SIFT: "Tolerated"; PolyPhen-2: "Probably Damaging"; Align-GVGD: "Class C0"). In summary, the available evidence is currently insufficient to determine the role of this variant in disease. Therefore, it has been classified as a Variant of Uncertain Significance.